The following is an entry in ClinVar:

NM_001039141.3(TRIOBP):c.1006C>T (p.Gln336Ter)

Gene: TRIOBP (TRIO and F-actin binding protein; plus strand). Cytogenetic location: 22q13.1.
Variant type: single nucleotide variant.
Coding change: c.1006C>T on transcript NM_001039141.3 (MANE Select); coding-DNA position 1006, C replaced by T.
Protein change: p.Gln336Ter; replaces glutamine 336 with a stop codon.
Molecular consequence: nonsense.
Genome position (GRCh38, 1-based): chr22:37,723,562, C>T. VCF-style: chr22-37723562-C-T. GRCh37 (hg19) VCF-style: chr22-38119569-C-T.
Other names: short protein forms Q336*.
Identifiers: ClinVar variation 3601943 (VCV003601943.1).

ClinVar aggregate classification (germline): Pathogenic (1 of 4 stars; one submission).

Conditions:
Autosomal recessive nonsyndromic hearing loss 28. Identifiers: Orphanet 90636, MedGen C1853276, MONDO:0012355, OMIM 609823.

Submission:

Institute of Rare Diseases, West China Hospital, Sichuan University
Classification: Pathogenic for Autosomal recessive nonsyndromic hearing loss 28. Last evaluated: 2025-01-09. Review status: criteria provided, single submitter. Criteria: ClinGen HL ACMG Specifications v1. Collection method: research. Allele origin: germline. Affected: yes.
Comment: PVS1;PM3;PM2_Supporting